The following is an entry in ClinVar:

NM_001160372.4(TRAPPC9):c.956G>T (p.Ser319Ile)

Gene: TRAPPC9 (trafficking protein particle complex subunit 9; minus strand). Cytogenetic location: 8q24.3.
Variant type: single nucleotide variant.
Coding change: c.956G>T on transcript NM_001160372.4 (MANE Select); coding-DNA position 956, G replaced by T.
Protein change: p.Ser319Ile; replaces serine 319 with isoleucine.
Molecular consequence: missense variant. On other transcripts: non-coding transcript variant (1).
Genome position (GRCh38, 1-based): chr8:140,405,629, C>A on the plus strand (G>T on the coding strand, the complement: TRAPPC9 is on the minus strand). VCF-style: chr8-140405629-C-A. GRCh37 (hg19) VCF-style: chr8-141415728-C-A.
Other names: c.929G>T, p.Ser310Ile (NM_001321646.2); c.977G>T, p.Ser326Ile (NM_001374682.1); c.956G>T, p.Ser319Ile (NM_001374683.1, NM_001374684.1, NM_031466.8); short protein forms S310I, S326I, S319I.
Identifiers: ClinVar variation 2103945 (VCV002103945.4), dbSNP rs2540284752, ClinGen allele CA372320695.

ClinVar aggregate classification (germline): Uncertain significance (1 of 4 stars; one submission).

Submission:

Labcorp Genetics (formerly Invitae), Labcorp
Classification: Uncertain significance. Last evaluated: 2022-10-27. Review status: criteria provided, single submitter. Criteria: Invitae Variant Classification Sherloc (09022015). Collection method: clinical testing. Allele origin: germline.
Comment: In summary, the available evidence is currently insufficient to determine the role of this variant in disease. Therefore, it has been classified as a Variant of Uncertain Significance. Algorithms developed to predict the effect of missense changes on protein structure and function are either unavailable or do not agree on the potential impact of this missense change (SIFT: "Not Available"; PolyPhen-2: "Probably Damaging"; Align-GVGD: "Not Available"). This variant has not been reported in the literature in individuals affected with TRAPPC9-related conditions. This variant is not present in population databases (gnomAD no frequency). This sequence change replaces serine, which is neutral and polar, with isoleucine, which is neutral and non-polar, at codon 417 of the TRAPPC9 protein (p.Ser417Ile).